The following is an entry in ClinVar:

ClinVar aggregate classification (germline): Benign/Likely benign. Review status: criteria provided, multiple submitters, no conflicts (2 of 4 stars). 9 submissions from 8 submitters: Benign (3); Likely benign (3). 3 of the submissions do not count toward it. Last evaluated 2026-02-02.

Conditions:
ELN-related disorder.
Supravalvar aortic stenosis (SVAS). Also called: Supravalvar aortic stenosis, Eisenberg type. Identifiers: Orphanet 3193, MedGen C0003499, MONDO:0008504, OMIM 185500, HP:0004381.
Cutis laxa, autosomal dominant 1 (ADCL1). Also called: ELN-Related Cutis Laxa. Identifiers: Orphanet 90348, MedGen C3276539, MONDO:0007411, OMIM 123700. Disease mechanism: Dominant Negative.

Allele frequency attached by ClinVar (database versions not stated): ESP Exome Variant Server 0.00015; gnomAD 0.00073 and 0.00102; TOPMed 0.00105; ExAC 0.00164; gnomAD exomes 0.00164; 1000 Genomes Project 30x 0.00375; 1000 Genomes Project 0.00439.
gnomAD v4.1: 1,334 of 1,613,956 alleles (0.083%); highest among the groups gnomAD compares: East Asian, 2.2%; 8 homozygotes.

Submissions (18):

Labcorp Genetics (formerly Invitae), Labcorp
Classification: Benign for Supravalvar aortic stenosis. Last evaluated: 2026-02-02. Review status: criteria provided, single submitter. Criteria: Invitae Variant Classification Sherloc (09022015). Collection method: clinical testing. Allele origin: germline.

Molecular Diagnostic Laboratory for Inherited Cardiovascular Disease, Montreal Heart Institute
Classification: Likely benign. Last evaluated: 2025-07-24. Review status: criteria provided, single submitter. Criteria: ACMG Guidelines, 2015. Collection method: clinical testing. Allele origin: germline. Affected: no.
Comment: BS1;BP4

Blueprint Genetics
Classification: Likely benign. Last evaluated: 2024-10-31. Review status: criteria provided, single submitter. Criteria: ACMG Guidelines, 2015. Collection method: clinical testing. Allele origin: germline.

Illumina Laboratory Services, Illumina
Classification: Benign for Cutis laxa, autosomal dominant 1. Last evaluated: 2018-01-12. Review status: criteria provided, single submitter. Criteria: ICSL Variant Classification Criteria 13 December 2019. Collection method: clinical testing. Allele origin: germline.
Comment: This variant was observed in the ICSL laboratory as part of a predisposition screen in an ostensibly healthy population. It had not been previously curated by ICSL or reported in the Human Gene Mutation Database (HGMD: prior to June 1st, 2018), and was therefore a candidate for classification through an automated scoring system. Utilizing variant allele frequency, disease prevalence and penetrance estimates, and inheritance mode, an automated score was calculated to assess if this variant is too frequent to cause the disease. Based on the score and internal cut-off values, a variant classified as benign is not then subjected to further curation. The score for this variant resulted in a classification of benign for this disease.

Illumina Laboratory Services, Illumina
Classification: Benign for Supravalvar aortic stenosis. Last evaluated: 2018-01-12. Review status: criteria provided, single submitter. Criteria: ICSL Variant Classification Criteria 13 December 2019. Collection method: clinical testing. Allele origin: germline.
Comment: the same text as in the submission from Illumina Laboratory Services, Illumina above.

Laboratory for Molecular Medicine, Mass General Brigham Personalized Medicine
Classification: Likely benign. Last evaluated: 2012-04-16. Review status: criteria provided, single submitter. Criteria: LMM Criteria. Collection method: clinical testing. Allele origin: germline. Observed: 1 variant allele.
Comment: Ala71Val in exon 5 of ELN: This variant has been reported in 2 Asian individual' s with isolated congenital ductus arteriosus aneurysm (Jan 2009). However, it is not expected to have clinical significance because it has been identified in 0. 9% (20/2222) of chromosomes from a broad, unspecified population (dbSNP rs413504 45).

PreventionGenetics, part of Exact Sciences
Classification: Benign for ELN-related condition. Last evaluated: 2019-05-15. Review status: no assertion criteria provided. Collection method: clinical testing. Allele origin: germline. Not counted in ClinVar's aggregate classification.
Comment: This variant is classified as benign based on ACMG/AMP sequence variant interpretation guidelines (Richards et al. 2015 PMID: 25741868, with internal and published modifications).

Dr. Peter K. Rogan Lab, Western University
No classification provided (evidence only). Condition: Sarcoma. Review status: no classification provided. Collection method: in vitro. Allele origin: not applicable. Functional consequence: skipped exon. Not counted in ClinVar's aggregate classification.

Dr. Peter K. Rogan Lab, Western University
No classification provided (evidence only). Condition: Hepatocellular carcinoma. Review status: no classification provided. Collection method: in vitro. Allele origin: not applicable. Functional consequence: skipped exon, retained intron. Not counted in ClinVar's aggregate classification.

Dr. Peter K. Rogan Lab, Western University
No classification provided (evidence only). Condition: Hepatocellular carcinoma. Review status: no classification provided. Collection method: in vitro. Allele origin: not applicable. Functional consequence: skipped exon. Not counted in ClinVar's aggregate classification.

Dr. Peter K. Rogan Lab, Western University
No classification provided (evidence only). Condition: Hepatocellular carcinoma. Review status: no classification provided. Collection method: in vitro. Allele origin: not applicable. Functional consequence: skipped exon. Not counted in ClinVar's aggregate classification.

Dr. Peter K. Rogan Lab, Western University
No classification provided (evidence only). Condition: Gastric cancer. Review status: no classification provided. Collection method: in vitro. Allele origin: not applicable. Functional consequence: retained intron. Not counted in ClinVar's aggregate classification.

Dr. Peter K. Rogan Lab, Western University
No classification provided (evidence only). Condition: Gastric cancer. Review status: no classification provided. Collection method: in vitro. Allele origin: not applicable. Functional consequence: skipped exon, retained intron. Not counted in ClinVar's aggregate classification.

Dr. Peter K. Rogan Lab, Western University
No classification provided (evidence only). Condition: Gastric cancer. Review status: no classification provided. Collection method: in vitro. Allele origin: not applicable. Functional consequence: skipped exon, retained intron. Not counted in ClinVar's aggregate classification.

Dr. Peter K. Rogan Lab, Western University
No classification provided (evidence only). Condition: Gastric cancer. Review status: no classification provided. Collection method: in vitro. Allele origin: not applicable. Functional consequence: skipped exon. Not counted in ClinVar's aggregate classification.

Dr. Peter K. Rogan Lab, Western University
No classification provided (evidence only). Condition: Malignant tumor of esophagus. Review status: no classification provided. Collection method: in vitro. Allele origin: not applicable. Functional consequence: skipped exon. Not counted in ClinVar's aggregate classification.

Genome Diagnostics Laboratory, Amsterdam University Medical Center
Classification: Likely benign. Review status: no assertion criteria provided. Collection method: clinical testing. Allele origin: germline. Affected: yes. Study: VKGL Data-share Consensus. Not counted in ClinVar's aggregate classification.

Genome Diagnostics Laboratory, University Medical Center Utrecht
Classification: Benign. Review status: no assertion criteria provided. Collection method: clinical testing. Allele origin: germline. Affected: yes. Study: VKGL Data-share Consensus. Not counted in ClinVar's aggregate classification.

Literature cited by the submitters: PubMed 19593948 (cited by Laboratory for Molecular Medicine, Mass General Brigham Personalized Medicine).

NM_000501.4(ELN):c.212C>T (p.Ala71Val)

Gene: ELN (elastin; plus strand). Cytogenetic location: 7q11.23.
Variant type: single nucleotide variant.
Coding change: c.212C>T on transcript NM_000501.4 (MANE Select); coding-DNA position 212, C replaced by T.
Protein change: p.Ala71Val; replaces alanine 71 with valine.
Molecular consequence: missense variant. On other transcripts: intron variant (1).
Genome position (GRCh38, 1-based): chr7:74,041,231, C>T. VCF-style: chr7-74041231-C-T. GRCh37 (hg19) VCF-style: chr7-73455561-C-T.
Other names: c.182C>T, p.Ala61Val (NM_001081752.3, NM_001278914.2, NM_001278917.2 and 1 more transcripts); c.212C>T, p.Ala71Val (NM_001081753.3, NM_001081754.3, NM_001081755.3 and 4 more transcripts); c.197-1383C>T (NM_001278913.2); short protein forms A71V, A61V.
Identifiers: ClinVar variation 43584 (VCV000043584.25), dbSNP rs41350445, ClinGen allele CA132761.